The following is an entry in ClinVar:

NM_003119.4(SPG7):c.1701A>T (p.Glu567Asp)

Gene: SPG7 (SPG7 matrix AAA peptidase subunit, paraplegin; plus strand). Cytogenetic location: 16q24.3.
Variant type: single nucleotide variant.
Coding change: c.1701A>T on transcript NM_003119.4 (MANE Select); coding-DNA position 1701, A replaced by T.
Protein change: p.Glu567Asp; replaces glutamic acid 567 with aspartic acid.
Molecular consequence: missense variant.
Genome position (GRCh38, 1-based): chr16:89,550,531, A>T. VCF-style: chr16-89550531-A-T. GRCh37 (hg19) VCF-style: chr16-89616939-A-T.
Other names: c.1701A>T, p.Glu567Asp (NM_001363850.1); short protein forms E567D.
Identifiers: ClinVar variation 2792775 (VCV002792775.3), dbSNP rs113309308, ClinGen allele CA397430839.
Genomic context (GRCh38, chr16:89,550,531, plus strand): 5'-CTCATACCCCGGCATTCTTTCAGGGACTGCCAAAAAGAGCAAGATCCTGTCCAAGGAAGA[A>T]CAGAAAGTGGTTGCGTTTCATGAGTCGGGCCACGCCTTGGTGGGCTGGATGCTGGAGCAC-3'
Protein context (NP_003110.1, residues 557-577): AKKSKILSKE[Glu567Asp]QKVVAFHESG

ClinVar aggregate classification (germline): Uncertain significance (1 of 4 stars; one submission).

Conditions:
Hereditary spastic paraplegia 7 (SPG7). Also called: SPG7-related neurologic disorder; Spastic paraplegia 7; Hereditary spastic paraplegia Paraplegin type; Autosomal recessive spastic paraplegia type 7; SPASTIC PARAPLEGIA 7, AUTOSOMAL RECESSIVE, WITH OR WITHOUT CEREBELLAR ATAXIA. Identifiers: Orphanet 99013, MedGen C1846564, MONDO:0011803, OMIM 607259.

Allele frequency attached by ClinVar (database versions not stated): gnomAD exomes below 0.00001.
gnomAD v4.1: 2 of 1,614,044 alleles (0.00012%); highest among the groups gnomAD compares: Non-Finnish European, 0.000085%; no homozygotes.

Submission:

Labcorp Genetics (formerly Invitae), Labcorp
Classification: Uncertain significance for Hereditary spastic paraplegia 7. Last evaluated: 2023-08-19. Review status: criteria provided, single submitter. Criteria: Invitae Variant Classification Sherloc (09022015). Collection method: clinical testing. Allele origin: germline.
Comment: This sequence change replaces glutamic acid, which is acidic and polar, with aspartic acid, which is acidic and polar, at codon 567 of the SPG7 protein (p.Glu567Asp). This variant is not present in population databases (gnomAD no frequency). This variant has not been reported in the literature in individuals affected with SPG7-related conditions. Advanced modeling of protein sequence and biophysical properties (such as structural, functional, and spatial information, amino acid conservation, physicochemical variation, residue mobility, and thermodynamic stability) performed at Invitae indicates that this missense variant is not expected to disrupt SPG7 protein function. In summary, the available evidence is currently insufficient to determine the role of this variant in disease. Therefore, it has been classified as a Variant of Uncertain Significance.